The following is an entry in ClinVar:

ClinVar aggregate classification (germline): Conflicting classifications of pathogenicity. Review status: criteria provided, conflicting classifications (1 of 4 stars). 2 submissions from 2 submitters: Uncertain significance (1); Likely benign (1). Last evaluated 2024-11-04.

Allele frequency attached by ClinVar (database versions not stated): ExAC 0.00002; gnomAD exomes 0.00002; TOPMed 0.00003.
gnomAD v4.1: 37 of 1,614,122 alleles (0.0023%); highest among the groups gnomAD compares: Non-Finnish European, 0.0027%; no homozygotes.

Submissions (2):

Blueprint Genetics
Classification: Likely benign. Last evaluated: 2024-11-04. Review status: criteria provided, single submitter. Criteria: ACMG Guidelines, 2015. Collection method: clinical testing. Allele origin: germline.

Labcorp Genetics (formerly Invitae), Labcorp
Classification: Uncertain significance. Last evaluated: 2022-02-05. Review status: criteria provided, single submitter. Criteria: Invitae Variant Classification Sherloc (09022015). Collection method: clinical testing. Allele origin: germline.
Comment: This sequence change affects codon 424 of the ICK mRNA. It is a 'silent' change, meaning that it does not change the encoded amino acid sequence of the ICK protein. This variant is present in population databases (rs746157329, gnomAD 0.004%). This variant has not been reported in the literature in individuals affected with ICK-related conditions. Algorithms developed to predict the effect of sequence changes on RNA splicing suggest that this variant may create or strengthen a splice site. In summary, the available evidence is currently insufficient to determine the role of this variant in disease. Therefore, it has been classified as a Variant of Uncertain Significance.

NM_014920.5(CILK1):c.1272G>A (p.Leu424=)

Gene: CILK1 (ciliogenesis associated kinase 1; minus strand). Cytogenetic location: 6p12.1.
Variant type: single nucleotide variant.
Coding change: c.1272G>A on transcript NM_014920.5 (MANE Select); coding-DNA position 1272, G replaced by A.
Protein change: p.Leu424=; no amino-acid change (leucine 424 retained).
Molecular consequence: synonymous variant. On other transcripts: non-coding transcript variant (1).
Genome position (GRCh38, 1-based): chr6:53,012,108, C>T on the plus strand (G>A on the coding strand, the complement: CILK1 is on the minus strand). VCF-style: chr6-53012108-C-T. GRCh37 (hg19) VCF-style: chr6-52876906-C-T.
Other names: c.1293G>A, p.Leu431= (NM_001375397.1); c.1272G>A, p.Leu424= (NM_001375398.1, NM_001375399.1, NM_001375400.1 and 3 more transcripts).
Identifiers: ClinVar variation 1680541 (VCV001680541.6), dbSNP rs746157329, ClinGen allele CA3858590.